The following is an entry in ClinVar:

NM_001458.5(FLNC):c.6256A>G (p.Ile2086Val)

Genes: FLNC (filamin C; plus strand), FLNC-AS1 (FLNC antisense RNA 1; minus strand). Cytogenetic location: 7q32.1.
Variant type: single nucleotide variant.
Coding change: c.6256A>G on transcript NM_001458.5 (MANE Select); coding-DNA position 6256, A replaced by G.
Protein change: p.Ile2086Val; replaces isoleucine 2086 with valine.
Molecular consequence: missense variant.
Genome position (GRCh38, 1-based): chr7:128,853,516, A>G. VCF-style: chr7-128853516-A-G. GRCh37 (hg19) VCF-style: chr7-128493570-A-G.
Other names: c.6157A>G, p.Ile2053Val (NM_001127487.2); short protein forms I2053V, I2086V.
Identifiers: ClinVar variation 2441505 (VCV002441505.8), dbSNP rs2536662094, ClinGen allele CA369211918.

ClinVar aggregate classification (germline): Uncertain significance. Review status: criteria provided, multiple submitters, no conflicts (2 of 4 stars). 4 submissions from 4 submitters: Uncertain significance (4). Last evaluated 2025-10-29.

Conditions:
Myofibrillar myopathy 5. Also called: Filaminopathy (type); FILAMINOPATHY, AUTOSOMAL DOMINANT. Identifiers: Orphanet 171445, MedGen C1836050, MONDO:0012289, OMIM 609524.
Hypertrophic cardiomyopathy 26. Also called: Cardiomyopathy, familial hypertrophic, 26. Identifiers: Orphanet 75249, MedGen C4310749, MONDO:0014883, OMIM 617047.
Distal myopathy with posterior leg and anterior hand involvement. Also called: WILLIAMS DISTAL MYOPATHY. Identifiers: Orphanet 63273, MedGen C3279722, MONDO:0013550, OMIM 614065.
FLNC-related disorder. Also called: FLNC-related disorders; FLNC-related condition.
Cardiovascular phenotype. Identifiers: MedGen CN230736.

Submissions (4):

Labcorp Genetics (formerly Invitae), Labcorp
Classification: Uncertain significance for Distal myopathy with posterior leg and anterior hand involvement; Myofibrillar myopathy 5; Hypertrophic cardiomyopathy 26. Last evaluated: 2025-10-29. Review status: criteria provided, single submitter. Criteria: Invitae Variant Classification Sherloc (09022015). Collection method: clinical testing. Allele origin: germline.
Comment: This sequence change replaces isoleucine, which is neutral and non-polar, with valine, which is neutral and non-polar, at codon 2086 of the FLNC protein (p.Ile2086Val). This variant is not present in population databases (gnomAD no frequency). This variant has not been reported in the literature in individuals affected with FLNC-related conditions. ClinVar contains an entry for this variant (Variation ID: 2441505). Invitae Evidence Modeling of protein sequence and biophysical properties (such as structural, functional, and spatial information, amino acid conservation, physicochemical variation, residue mobility, and thermodynamic stability) has been performed for this missense variant. However, the output from this modeling did not meet the statistical confidence thresholds required to predict the impact of this variant on FLNC protein function. In summary, the available evidence is currently insufficient to determine the role of this variant in disease. Therefore, it has been classified as a Variant of Uncertain Significance.

Ambry Genetics
Classification: Uncertain significance for Cardiovascular phenotype. Last evaluated: 2024-10-04. Review status: criteria provided, single submitter. Criteria: Ambry Variant Classification Scheme 2023. Collection method: clinical testing. Allele origin: germline.
Comment: The p.I2086V variant (also known as c.6256A>G), located in coding exon 38 of the FLNC gene, results from an A to G substitution at nucleotide position 6256. The isoleucine at codon 2086 is replaced by valine, an amino acid with highly similar properties. This amino acid position is conserved. In addition, the in silico prediction for this alteration is inconclusive. Based on the available evidence, the clinical significance of this variant remains unclear.

PreventionGenetics, part of Exact Sciences
Classification: Uncertain significance for FLNC-related condition. Last evaluated: 2023-02-27. Review status: criteria provided, single submitter. Criteria: ACMG Guidelines, 2015. Collection method: clinical testing. Allele origin: germline.
Comment: The FLNC c.6256A>G variant is predicted to result in the amino acid substitution p.Ile2086Val. To our knowledge, this variant has not been reported in the literature or in a large population database, indicating this variant is rare. At this time, the clinical significance of this variant is uncertain due to the absence of conclusive functional and genetic evidence.

Revvity Omics, Revvity
Classification: Uncertain significance. Last evaluated: 2022-06-07. Review status: criteria provided, single submitter. Criteria: ACMG Guidelines, 2015. Collection method: clinical testing. Allele origin: germline.